The following is an entry in ClinVar:

ClinVar aggregate classification (germline): Pathogenic (1 of 4 stars; one submission).

Conditions:
Severe X-linked myotubular myopathy (CNMX). Also called: MYOTUBULAR MYOPATHY 1; X-linked centronuclear myopathy; Myotubular myopathy, X-linked. Identifiers: Orphanet 596, MedGen C0410203, MONDO:0010683, OMIM 310400.

Submission:

Labcorp Genetics (formerly Invitae), Labcorp
Classification: Pathogenic for Severe X-linked myotubular myopathy. Last evaluated: 2022-12-15. Review status: criteria provided, single submitter. Criteria: Invitae Variant Classification Sherloc (09022015). Collection method: clinical testing. Allele origin: germline.
Comment: For these reasons, this variant has been classified as Pathogenic. Retrotransposon insertions including LINE1 (L1), Alu, and SVA (SINE-VNTR-Alu) have been reported to be disease-causing through disruption of either a coding region or splice site (PMID: 19763152, 20307669, 22406018) and loss-of-function variants in MTM1 are known to be pathogenic (PMID: 9305655, 10063835). Algorithms developed to predict the effect of sequence changes on RNA splicing suggest that this variant may disrupt the consensus splice site. This variant has not been reported in the literature in individuals affected with MTM1-related conditions. This variant is not present in population databases (gnomAD no frequency). This sequence change inserts a large fragment of DNA, likely a transposable element, in exon 13 of the MTM1 gene (c.1436_1437ins?), causing a frameshift at codon 479 (p.Leu479fs). The exact size and sequence of the insertion cannot be determined by the current assay. However, the insertion is expected to result in an absent or disrupted protein product.

Literature cited by the submitters: PubMed 19763152; PubMed 20307669; PubMed 22406018; PubMed 9305655; PubMed 10063835.

NM_000252.3(MTM1):c.1436_1437insTTTTTTTTTTTTTTTTTTTTNNNNNNNNNNGTCTTCTGCGTCGCTCACGCTGGGAGCTGTAGACCGGAGCTGTTCCTATTCGGCCATCTTGGCTCCTCCCCCTGGTACTTTCTT (p.Phe478_Leu479insPhePhePhePhePhePhePheXaaXaaXaaXaaSerSerAlaSerLeuThrLeuGlyAlaValAspArgSerCysSerTyrSerAlaIleLeuAlaProProProGlyThrPhe)

Gene: MTM1 (myotubularin 1; plus strand). Cytogenetic location: Xq28.
Variant type: Insertion.
Coding change: c.1436_1437insTTTTTTTTTTTTTTTTTTTTNNNNNNNNNNGTCTTCTGCGTCGCTCACGCTGGGAGCTGTAGACCGGAGCTGTTCCTATTCGGCCATCTTGGCTCCTCCCCCTGGTACTTTCTT on transcript NM_000252.3 (MANE Select); coding-DNA positions 1436 to 1437, TTTTTTTTTTTTTTTTTTTTNNNNNNNNNNGTCTTCTGCGTCGCTCACGCTGGGAGCTGTAGACCGGAGCTGTTCCTATTCGGCCATCTTGGCTCCTCCCCCTGGTACTTTCTT inserted.
Protein change: p.Phe478_Leu479insPhePhePhePhePhePhePheXaaXaaXaaXaaSerSerAlaSerLeuThrLeuGlyAlaValAspArgSerCysSerTyrSerAlaIleLeuAlaProProProGlyThrPhe.
Molecular consequence: inframe insertion.
Genome position: GRCh38: chrX:150,660,453-150,660,454. GRCh37 (hg19): chrX:149,828,926-149,828,927.
Other names: c.1436_1437insTTTTTTTTTTTTTTTTTTTTNNNNNNNNNNGTCTTCTGCGTCGCTCACGCTGGGAGCTGTAGACCGGAGCTGTTCCTATTCGGCCATCTTGGCTCCTCCCCCTGGTACTTTCTT, p.Phe478_Leu479insPhePhePhePhePhePhePheXaaXaaXaaXaaSerSerAlaSerLeuThrLeuGlyAlaValAspArgSerCysSerTyrSerAlaIleLeuAlaProProProGlyThrPhe (NM_001376906.1, NM_001376908.1); c.1325_1326insTTTTTTTTTTTTTTTTTTTTNNNNNNNNNNGTCTTCTGCGTCGCTCACGCTGGGAGCTGTAGACCGGAGCTGTTCCTATTCGGCCATCTTGGCTCCTCCCCCTGGTACTTTCTT, p.Phe441_Leu442insPhePhePhePhePhePhePheXaaXaaXaaXaaSerSerAlaSerLeuThrLeuGlyAlaValAspArgSerCysSerTyrSerAlaIleLeuAlaProProProGlyThrPhe (NM_001376907.1).
Identifiers: ClinVar variation 2821184 (VCV002821184.3), dbSNP rs2522447420.